The following is an entry in ClinVar:

NM_015450.3(POT1):c.1724T>C (p.Met575Thr)

Gene: POT1 (protection of telomeres 1; minus strand). Cytogenetic location: 7q31.33.
Variant type: single nucleotide variant.
Coding change: c.1724T>C on transcript NM_015450.3 (MANE Select); coding-DNA position 1724, T replaced by C.
Protein change: p.Met575Thr; replaces methionine 575 with threonine.
Molecular consequence: missense variant. On other transcripts: non-coding transcript variant (3).
Genome position (GRCh38, 1-based): chr7:124,825,320, A>G on the plus strand (T>C on the coding strand, the complement: POT1 is on the minus strand). VCF-style: chr7-124825320-A-G. GRCh37 (hg19) VCF-style: chr7-124465374-A-G.
Other names: c.1331T>C, p.Met444Thr (NM_001042594.2); short protein forms M575T, M444T.
Identifiers: ClinVar variation 936398 (VCV000936398.10), dbSNP rs1238381156, ClinGen allele CA369062428.

ClinVar aggregate classification (germline): Conflicting classifications of pathogenicity. Review status: criteria provided, conflicting classifications (1 of 4 stars). 2 submissions from 2 submitters: Uncertain significance (1); Likely benign (1). Last evaluated 2025-04-23.

Conditions:
Tumor predisposition syndrome 3 (TPDS3). Also called: Glioma susceptibility 9; LONG TELOMERE SYNDROME, POT1-RELATED; POT1 Tumor Predisposition; Melanoma, cutaneous malignant, susceptibility to, 10. Identifiers: Orphanet 618, MedGen C4014476, MONDO:0014368, OMIM 615848.
Hereditary cancer-predisposing syndrome. Also called: Neoplastic Syndromes, Hereditary; Tumor predisposition; Hereditary Cancer Syndrome; Hereditary neoplastic syndrome. Identifiers: Orphanet 140162, MedGen C0027672, MeSH D009386, MONDO:0015356.

Allele frequency attached by ClinVar (database versions not stated): gnomAD 0.00001; TOPMed 0.00002.
gnomAD v4.1: 2 of 1,610,986 alleles (0.00012%); highest among the groups gnomAD compares: Admixed American, 0.0017%; no homozygotes.

Submissions (2):

Labcorp Genetics (formerly Invitae), Labcorp
Classification: Uncertain significance for Tumor predisposition syndrome 3. Last evaluated: 2025-04-23. Review status: criteria provided, single submitter. Criteria: Invitae Variant Classification Sherloc (09022015). Collection method: clinical testing. Allele origin: germline.
Comment: This sequence change replaces methionine, which is neutral and non-polar, with threonine, which is neutral and polar, at codon 575 of the POT1 protein (p.Met575Thr). This variant is not present in population databases (gnomAD no frequency). This variant has not been reported in the literature in individuals affected with POT1-related conditions. ClinVar contains an entry for this variant (Variation ID: 936398). Invitae Evidence Modeling of protein sequence and biophysical properties (such as structural, functional, and spatial information, amino acid conservation, physicochemical variation, residue mobility, and thermodynamic stability) indicates that this missense variant is not expected to disrupt POT1 protein function with a negative predictive value of 80%. In summary, the available evidence is currently insufficient to determine the role of this variant in disease. Therefore, it has been classified as a Variant of Uncertain Significance.

Ambry Genetics
Classification: Likely benign for Hereditary cancer-predisposing syndrome. Last evaluated: 2024-01-24. Review status: criteria provided, single submitter. Criteria: Ambry Variant Classification Scheme 2023. Collection method: clinical testing. Allele origin: germline.